The following is an entry in ClinVar:

NM_000540.3(RYR1):c.2058_2059insACCCA (p.Leu687fs)

Gene: RYR1 (ryanodine receptor 1; plus strand). Cytogenetic location: 19q13.2.
Variant type: Insertion.
Coding change: c.2058_2059insACCCA on transcript NM_000540.3 (MANE Select); coding-DNA positions 2058 to 2059, ACCCA inserted.
Protein change: p.Leu687fs; shifts the reading frame from leucine 687.
Molecular consequence: frameshift variant.
Genome position: GRCh38 VCF-style: chr19-38458183-C-CACCCA. GRCh37 (hg19) VCF-style: chr19-38948823-C-CACCCA.
Other names: c.2058_2059insACCCA, p.Leu687fs (NM_001042723.2); short protein forms L687fs.
Identifiers: ClinVar variation 4729411 (VCV004729411.1).
Genomic context (GRCh38, chr19:38,458,183, plus strand): 5'-GGTGGACGAGGTGACTCCATTTCTGACAGCTCAGGCCACCCACTTGCGGGTGGGCTGGGC[C>CACCCA]CTCACCGAGGGCTACACCCCCTACCCTGGGGCCGGCGAGGGCTGGGGCGGCAACGGGGTC-3'

ClinVar aggregate classification (germline): Pathogenic (1 of 4 stars; one submission).

Conditions:
RYR1-related disorder. Also called: RYR1-related condition; RYR1-related disorders. Identifiers: MedGen CN239331.

Submission:

Labcorp Genetics (formerly Invitae), Labcorp
Classification: Pathogenic for RYR1-related disorder. Last evaluated: 2025-11-13. Review status: criteria provided, single submitter. Criteria: Invitae Variant Classification Sherloc (09022015). Collection method: clinical testing. Allele origin: germline.
Comment: This sequence change creates a premature translational stop signal (p.Leu687Thrfs*45) in the RYR1 gene. It is expected to result in an absent or disrupted protein product. Loss-of-function variants in RYR1 are known to be pathogenic (PMID: 23919265, 25960145, 28818389, 30611313). This variant is not present in population databases (gnomAD no frequency). This variant has not been reported in the literature in individuals affected with RYR1-related conditions. For these reasons, this variant has been classified as Pathogenic.

Literature cited by the submitters: PubMed 23919265; PubMed 25960145; PubMed 28818389; PubMed 30611313.